The following is an entry in ClinVar:

ClinVar aggregate classification (germline): Uncertain significance. Review status: criteria provided, multiple submitters, no conflicts (2 of 4 stars). 3 submissions from 3 submitters: Uncertain significance (3). Last evaluated 2025-10-28.

Conditions:
CEP290-related disorder. Also called: CEP290-related condition; CEP290-related disorders. Identifiers: MedGen CN239314.
Meckel-Gruber syndrome. Also called: DYSENCEPHALIA SPLANCHNOCYSTICA; GRUBER SYNDROME; Dysencephalia splachnocystica. Identifiers: Orphanet 564, MedGen C0265215, MONDO:0018921.
Nephronophthisis. Also called: Juvenile Nephronophthisis. Identifiers: Orphanet 655, MedGen C0687120, MONDO:0019005, HP:0000090.
Joubert syndrome. Also called: Familial aplasia of the vermis; JOUBERT-BOLTSHAUSER SYNDROME. Identifiers: Orphanet 475, MedGen C5979921, MONDO:0018772.

gnomAD v4.1: 38 of 1,227,694 alleles (0.0031%); highest among the groups gnomAD compares: Non-Finnish European, 0.0036%; no homozygotes.

Submissions (3):

PreventionGenetics, part of Exact Sciences
Classification: Uncertain significance for CEP290-related condition. Last evaluated: 2025-10-28. Review status: criteria provided, single submitter. Criteria: ACMG Guidelines, 2015. Collection method: clinical testing. Allele origin: germline.
Comment: The CEP290 c.4088G>T variant is predicted to result in the amino acid substitution p.Arg1363Leu. To our knowledge, this variant has not been reported in the literature. This variant is reported in 0.0048% of alleles in individuals of European (Non-Finnish) descent in gnomAD. At this time, the clinical significance of this variant is uncertain due to the absence of conclusive functional and genetic evidence.

Labcorp Genetics (formerly Invitae), Labcorp
Classification: Uncertain significance for Joubert syndrome; Meckel-Gruber syndrome; Nephronophthisis. Last evaluated: 2024-12-02. Review status: criteria provided, single submitter. Criteria: Invitae Variant Classification Sherloc (09022015). Collection method: clinical testing. Allele origin: germline.
Comment: This sequence change replaces arginine, which is basic and polar, with leucine, which is neutral and non-polar, at codon 1363 of the CEP290 protein (p.Arg1363Leu). The frequency data for this variant in the population databases is considered unreliable, as metrics indicate poor data quality at this position in the gnomAD database. This variant has not been reported in the literature in individuals affected with CEP290-related conditions. ClinVar contains an entry for this variant (Variation ID: 1979187). Invitae Evidence Modeling of protein sequence and biophysical properties (such as structural, functional, and spatial information, amino acid conservation, physicochemical variation, residue mobility, and thermodynamic stability) indicates that this missense variant is expected to disrupt CEP290 protein function with a positive predictive value of 80%. In summary, the available evidence is currently insufficient to determine the role of this variant in disease. Therefore, it has been classified as a Variant of Uncertain Significance.

Blueprint Genetics
Classification: Uncertain significance. Last evaluated: 2020-06-09. Review status: criteria provided, single submitter. Criteria: ACMG Guidelines, 2015. Collection method: clinical testing. Allele origin: germline.

NM_025114.4(CEP290):c.4088G>T (p.Arg1363Leu)

Gene: CEP290 (centrosomal protein 290; minus strand). Cytogenetic location: 12q21.32.
Variant type: single nucleotide variant.
Coding change: c.4088G>T on transcript NM_025114.4 (MANE Select); coding-DNA position 4088, G replaced by T.
Protein change: p.Arg1363Leu; replaces arginine 1363 with leucine.
Molecular consequence: missense variant.
Genome position (GRCh38, 1-based): chr12:88,087,886, C>A on the plus strand (G>T on the coding strand, the complement: CEP290 is on the minus strand). VCF-style: chr12-88087886-C-A. GRCh37 (hg19) VCF-style: chr12-88481663-C-A.
Other names: short protein forms R1363L.
Identifiers: ClinVar variation 1979187 (VCV001979187.6), dbSNP rs188502327, ClinGen allele CA385999237.